The following is an entry in ClinVar:

ClinVar aggregate classification (germline): Uncertain significance (1 of 4 stars; one submission).

Conditions:
Hereditary cancer-predisposing syndrome. Also called: Neoplastic Syndromes, Hereditary; Tumor predisposition; Hereditary Cancer Syndrome; Hereditary neoplastic syndrome. Identifiers: Orphanet 140162, MedGen C0027672, MeSH D009386, MONDO:0015356.

Submission:

Ambry Genetics
Classification: Uncertain significance for Hereditary cancer-predisposing syndrome. Last evaluated: 2015-10-14. Review status: criteria provided, single submitter. Criteria: Ambry Variant Classification Scheme 2023. Collection method: clinical testing. Allele origin: germline.
Comment: The p.T19A variant (also known as c.55A>G), located in coding exon 2 of the MRE11A gene, results from an A to G substitution at nucleotide position 55. The threonine at codon 19 is replaced by alanine, an amino acid with similar properties. This variant was not reported in population based cohorts in the following databases: Database of Single Nucleotide Polymorphisms (dbSNP), NHLBI Exome Sequencing Project (ESP), and 1000 Genomes Project. In the ESP, this variant was not observed in 6499 samples (12998 alleles) with coverage at this position. To date, this alteration has been detected with an allele frequency of approximately 0.002% (greater than 65000 alleles tested) in our clinical cohort. This amino acid position is highly conserved in available vertebrate species. In addition, this alteration is predicted to be deleterious by in silico analysis. Since supporting evidence is limited at this time, the clinical significance of p.T19A remains unclear.

NM_005591.4(MRE11):c.55A>G (p.Thr19Ala)

Gene: MRE11 (MRE11 double strand break repair nuclease; minus strand). Cytogenetic location: 11q21.
Variant type: single nucleotide variant.
Coding change: c.55A>G on transcript NM_005591.4 (MANE Select); coding-DNA position 55, A replaced by G.
Protein change: p.Thr19Ala; replaces threonine 19 with alanine.
Molecular consequence: missense variant.
Genome position (GRCh38, 1-based): chr11:94,490,931, T>C on the plus strand (A>G on the coding strand, the complement: MRE11 is on the minus strand). VCF-style: chr11-94490931-T-C. GRCh37 (hg19) VCF-style: chr11-94224097-T-C.
Other names: c.55A>G, p.Thr19Ala (NM_001330347.2, NM_005590.4); short protein forms T19A.
Identifiers: ClinVar variation 234237 (VCV000234237.5), dbSNP rs876660949, ClinGen allele CA10579425.
Genomic context (GRCh38, chr11:94,490,931, plus strand): 5'-TTACAAACGTATCATTTCCTCTGACTGCATCTTTCTCCATAAATCCAAGATGAATATCTG[T>C]TGCAACTAATATTTTAAATGTGTTTTCATCATCACTATATTAAGAAAGAAGAAACATTTC-3'
Protein context (NP_005582.1, residues 9-29): DENTFKILVA[Thr19Ala]DIHLGFMEKD